The following is an entry in ClinVar:

NM_024570.4(RNASEH2B):c.128C>A (p.Pro43His)

Gene: RNASEH2B (ribonuclease H2 subunit B; plus strand). Cytogenetic location: 13q14.3.
Variant type: single nucleotide variant.
Coding change: c.128C>A on transcript NM_024570.4 (MANE Select); coding-DNA position 128, C replaced by A.
Protein change: p.Pro43His; replaces proline 43 with histidine.
Molecular consequence: missense variant.
Genome position (GRCh38, 1-based): chr13:50,927,470, C>A. VCF-style: chr13-50927470-C-A. GRCh37 (hg19) VCF-style: chr13-51501606-C-A.
Other names: c.128C>A, p.Pro43His (NM_001142279.2, NM_001411023.1); short protein forms P43H.
Identifiers: ClinVar variation 2137504 (VCV002137504.3), dbSNP rs79564863, ClinGen allele CA249996415.

ClinVar aggregate classification (germline): Uncertain significance. Review status: criteria provided, multiple submitters, no conflicts (2 of 4 stars). 3 submissions from 3 submitters: Uncertain significance (3). Last evaluated 2024-05-15.

Conditions:
Aicardi-Goutieres syndrome 2. Identifiers: Orphanet 51, MedGen C3489724, MONDO:0012429, OMIM 610181.

Allele frequency attached by ClinVar (database versions not stated): gnomAD 0.00001; TOPMed 0.00001.
gnomAD v4.1: 6 of 1,594,218 alleles (0.00038%); highest among the groups gnomAD compares: South Asian, 0.0011%; no homozygotes.

Submissions (3):

Women's Health and Genetics/Laboratory Corporation of America, LabCorp
Classification: Uncertain significance. Last evaluated: 2024-05-15. Review status: criteria provided, single submitter. Criteria: LabCorp Variant Classification Summary - May 2015. Collection method: clinical testing. Allele origin: germline.
Comment: Variant summary: RNASEH2B c.128C>A (p.Pro43His) results in a non-conservative amino acid change located in the Rnh202, triple barrel domain (IPR041195) of the encoded protein sequence. Five of five in-silico tools predict a damaging effect of the variant on protein function. The variant was absent in 251302 control chromosomes. The available data on variant occurrences in the general population are insufficient to allow any conclusion about variant significance. c.128C>A has been reported in the literature in at least one compound heterzygous individual affected with Aicardi Goutieres Syndrome (Rice_2017). These data do not allow any conclusion about variant significance. To our knowledge, no experimental evidence demonstrating an impact on protein function has been reported. The following publications have been ascertained in the context of this evaluation (PMID: 17846997, 27943079). ClinVar contains an entry for this variant (Variation ID: 2137504). Based on the evidence outlined above, the variant was classified as uncertain significance.

Department of Pathology and Laboratory Medicine, Sinai Health System
Classification: Uncertain significance for Aicardi-Goutieres syndrome 2. Last evaluated: 2023-04-13. Review status: criteria provided, single submitter. Criteria: ACMG Guidelines, 2015. Collection method: research. Allele origin: germline.

Labcorp Genetics (formerly Invitae), Labcorp
Classification: Uncertain significance for Aicardi-Goutieres syndrome 2. Last evaluated: 2022-02-28. Review status: criteria provided, single submitter. Criteria: Invitae Variant Classification Sherloc (09022015). Collection method: clinical testing. Allele origin: germline.
Comment: This sequence change replaces proline, which is neutral and non-polar, with histidine, which is basic and polar, at codon 43 of the RNASEH2B protein (p.Pro43His). This variant is not present in population databases (gnomAD no frequency). This missense change has been observed in individual(s) with Aicardi Goutieres syndrome (PMID: 17846997). Algorithms developed to predict the effect of missense changes on protein structure and function (SIFT, PolyPhen-2, Align-GVGD) all suggest that this variant is likely to be disruptive. In summary, the available evidence is currently insufficient to determine the role of this variant in disease. Therefore, it has been classified as a Variant of Uncertain Significance.

Literature cited by the submitters: PubMed 17846997 (cited by Women's Health and Genetics/Laboratory Corporation of America, LabCorp and Labcorp Genetics (formerly Invitae), Labcorp); PubMed 27943079 (cited by Women's Health and Genetics/Laboratory Corporation of America, LabCorp).